The following is an entry in ClinVar:

NM_025215.6(PUS1):c.823del (p.Glu275fs)

Gene: PUS1 (pseudouridine synthase 1; plus strand). Cytogenetic location: 12q24.33.
Variant type: Deletion.
Coding change: c.823del on transcript NM_025215.6 (MANE Select); coding-DNA position 823, one base deleted (G; older notation c.823delG).
Protein change: p.Glu275fs; shifts the reading frame from glutamic acid 275.
Molecular consequence: frameshift variant.
Genome position (GRCh38, 1-based): chr12:131,941,570, G deleted; the last of 3 consecutive G bases (chr12:131,941,568-131,941,570); deleting any one gives the same sequence. VCF-style (leftmost placement, unchanged base first): chr12-131941567-CG-C. GRCh37 (hg19) VCF-style: chr12-132426112-CG-C.
Other names: c.739del, p.Glu247fs (NM_001002019.3, NM_001002020.3); short protein forms E247fs, E275fs.
Identifiers: ClinVar variation 4060572 (VCV004060572.2).
Genomic context (GRCh38, chr12:131,941,567, plus strand): 5'-CCGCAGGATCCCAGTGCCTGCCGCTACATCCTGGAGATGTACTGCGAGGAACCCTTTGTG[CG>C]GGAGGGCCTGGAGTTTGCGGTGATCAGGGTGAAGGGCCAGAGCTTCATGATGCATCAGAT-3'

ClinVar aggregate classification (germline): Likely pathogenic (1 of 4 stars; one submission).

Conditions:
Myopathy, lactic acidosis, and sideroblastic anemia. Also called: Mitochondrial myopathy and sideroblastic anemia; Myopathy with lactic acidosis and sideroblastic anemia. Identifiers: Orphanet 2598, MedGen C1838103, MONDO:0000863.

Submission:

Natera, Inc.
Classification: Likely pathogenic for Mitochondrial myopathy and sideroblastic anemia. Last evaluated: 2025-03-10. Review status: criteria provided, single submitter. Criteria: Natera Variant Classification Schema (03/2026). Collection method: clinical testing. Allele origin: germline.
Comment: The c.823del variant in PUS1 is a frameshift variant predicted to shift the reading frame beginning at codon 275 and leads to a stop codon 7 codons downstream. This variant is expected to result in nonsense mediated decay, truncation, or a dysfunctional protein product. This variant is rare in the general population with a frequency below the threshold expected for the associated phenotype(s). Given the available evidence, this variant is classified as Likely Pathogenic.